The following is an entry in ClinVar:

NM_058216.3(RAD51C):c.830G>C (p.Arg277Thr)

Gene: RAD51C (RAD51 paralog C; plus strand). Cytogenetic location: 17q22.
Variant type: single nucleotide variant.
Coding change: c.830G>C on transcript NM_058216.3 (MANE Select); coding-DNA position 830, G replaced by C.
Protein change: p.Arg277Thr; replaces arginine 277 with threonine.
Molecular consequence: missense variant. On other transcripts: non-coding transcript variant (1).
Genome position (GRCh38, 1-based): chr17:58,709,983, G>C. VCF-style: chr17-58709983-G-C. GRCh37 (hg19) VCF-style: chr17-56787344-G-C.
Other names: c.*258G>C (NM_058217.1); short protein forms R277T.
Identifiers: ClinVar variation 1721503 (VCV001721503.10), dbSNP rs2143854783, ClinGen allele CA400354469.

ClinVar aggregate classification (germline): Conflicting classifications of pathogenicity. Review status: criteria provided, conflicting classifications (1 of 4 stars). 3 submissions from 3 submitters: Uncertain significance (2); Benign (1). Last evaluated 2025-10-28.

Conditions:
Fanconi anemia complementation group O. Also called: RAD51C-Related Fanconi Anemia. Identifiers: Orphanet 84, MedGen C3150653, MONDO:0013248, OMIM 613390.
Breast-ovarian cancer, familial, susceptibility to, 3. Also called: RAD51C-Related Breast/Ovarian Cancer. Identifiers: Orphanet 145, MedGen C3150659, MONDO:0013253, OMIM 613399.
Hereditary cancer-predisposing syndrome. Also called: Hereditary Cancer Syndrome; Hereditary neoplastic syndrome; Neoplastic Syndromes, Hereditary; Tumor predisposition. Identifiers: Orphanet 140162, MedGen C0027672, MeSH D009386, MONDO:0015356.

Submissions (3):

Ambry Genetics
Classification: Benign for Hereditary cancer-predisposing syndrome. Last evaluated: 2025-10-28. Review status: criteria provided, single submitter. Criteria: Ambry Variant Classification Scheme 2023. Collection method: clinical testing. Allele origin: germline.

Fulgent Genetics
Classification: Uncertain significance for Fanconi anemia complementation group O; Breast-ovarian cancer, familial, susceptibility to, 3. Last evaluated: 2024-02-24. Review status: criteria provided, single submitter. Criteria: ACMG Guidelines, 2015. Collection method: clinical testing. Allele origin: germline.

Labcorp Genetics (formerly Invitae), Labcorp
Classification: Uncertain significance for Fanconi anemia complementation group O. Last evaluated: 2022-10-13. Review status: criteria provided, single submitter. Criteria: Invitae Variant Classification Sherloc (09022015). Collection method: clinical testing. Allele origin: germline.
Comment: In summary, the available evidence is currently insufficient to determine the role of this variant in disease. Therefore, it has been classified as a Variant of Uncertain Significance. Advanced modeling of protein sequence and biophysical properties (such as structural, functional, and spatial information, amino acid conservation, physicochemical variation, residue mobility, and thermodynamic stability) performed at Invitae indicates that this missense variant is not expected to disrupt RAD51C protein function. This variant has not been reported in the literature in individuals affected with RAD51C-related conditions. This variant is not present in population databases (gnomAD no frequency). This sequence change replaces arginine, which is basic and polar, with threonine, which is neutral and polar, at codon 277 of the RAD51C protein (p.Arg277Thr).